The following is an entry in ClinVar:

ClinVar aggregate classification (germline): Uncertain significance. Review status: criteria provided, multiple submitters, no conflicts (2 of 4 stars). 2 submissions from 2 submitters: Uncertain significance (2). Last evaluated 2023-01-19.

Conditions:
MHC class I deficiency. Identifiers: Orphanet 34592, MedGen C6024714, MONDO:0011476.

Allele frequency attached by ClinVar (database versions not stated): gnomAD exomes below 0.00001; TOPMed below 0.00001; gnomAD 0.00001.
gnomAD v4.1: 8 of 1,612,922 alleles (0.0005%); highest among the groups gnomAD compares: Middle Eastern, 0.016%; no homozygotes.

Submissions (2):

Blueprint Genetics
Classification: Uncertain significance. Last evaluated: 2023-01-19. Review status: criteria provided, single submitter. Criteria: ACMG Guidelines, 2015. Collection method: clinical testing. Allele origin: germline.

Labcorp Genetics (formerly Invitae), Labcorp
Classification: Uncertain significance for MHC class I deficiency 1. Last evaluated: 2022-07-19. Review status: criteria provided, single submitter. Criteria: Invitae Variant Classification Sherloc (09022015). Collection method: clinical testing. Allele origin: germline.
Comment: This variant is not present in population databases (gnomAD no frequency). This sequence change replaces arginine, which is basic and polar, with glutamine, which is neutral and polar, at codon 273 of the TAP2 protein (p.Arg273Gln). This variant has not been reported in the literature in individuals affected with TAP2-related conditions. In summary, the available evidence is currently insufficient to determine the role of this variant in disease. Therefore, it has been classified as a Variant of Uncertain Significance. Algorithms developed to predict the effect of missense changes on protein structure and function are either unavailable or do not agree on the potential impact of this missense change (SIFT: "Tolerated"; PolyPhen-2: "Not Available"; Align-GVGD: "Class C0"). ClinVar contains an entry for this variant (Variation ID: 642994).

NM_001290043.2(TAP2):c.818G>A (p.Arg273Gln)

Gene: TAP2 (transporter 2, ATP binding cassette subfamily B member; minus strand). Cytogenetic location: 6p21.32.
Variant type: single nucleotide variant.
Coding change: c.818G>A on transcript NM_001290043.2 (MANE Select); coding-DNA position 818, G replaced by A.
Protein change: p.Arg273Gln; replaces arginine 273 with glutamine.
Molecular consequence: missense variant.
Genome position (GRCh38, 1-based): chr6:32,835,281, C>T on the plus strand (G>A on the coding strand, the complement: TAP2 is on the minus strand). VCF-style: chr6-32835281-C-T. GRCh37 (hg19) VCF-style: chr6-32803058-C-T.
Other names: c.818G>A, p.Arg273Gln (NM_000544.3, NM_018833.3); short protein forms R273Q.
Identifiers: ClinVar variation 642994 (VCV000642994.10), dbSNP rs1582584858, ClinGen allele CA363584502.